The following is an entry in ClinVar:

NM_001042492.3(NF1):c.3163_3164insTCCAAACC (p.Gln1055fs)

Gene: NF1 (neurofibromin 1; plus strand). Cytogenetic location: 17q11.2.
Variant type: Insertion.
Coding change: c.3163_3164insTCCAAACC on transcript NM_001042492.3 (MANE Select); coding-DNA positions 3163 to 3164, TCCAAACC inserted.
Protein change: p.Gln1055fs; shifts the reading frame from glutamine 1055.
Molecular consequence: frameshift variant.
Genome position: GRCh38 VCF-style: chr17-31230885-T-TCAAACCTC. GRCh37 (hg19) VCF-style: chr17-29557903-T-TCAAACCTC.
Other names: c.3163_3164insTCCAAACC, p.Gln1055Leufs (NM_000267.4); short protein forms Q1055fs.
Identifiers: ClinVar variation 3658836 (VCV003658836.2).

ClinVar aggregate classification (germline): Pathogenic (1 of 4 stars; one submission).

Conditions:
Neurofibromatosis, type 1 (NF1). Also called: Peripheral type neurofibromatosis; VON RECKLINGHAUSEN DISEASE; NEUROFIBROMATOSIS, TYPE I, SOMATIC; Neurofibromatosis, type I. Identifiers: Orphanet 636, MedGen C0027831, MONDO:0018975, OMIM 162200. Disease mechanism: loss of function.

Submission:

Labcorp Genetics (formerly Invitae), Labcorp
Classification: Pathogenic for Neurofibromatosis, type 1. Last evaluated: 2024-07-06. Review status: criteria provided, single submitter. Criteria: Invitae Variant Classification Sherloc (09022015). Collection method: clinical testing. Allele origin: germline.
Comment: This sequence change creates a premature translational stop signal (p.Gln1055Leufs*10) in the NF1 gene. It is expected to result in an absent or disrupted protein product. Loss-of-function variants in NF1 are known to be pathogenic (PMID: 10712197, 23913538). This variant is not present in population databases (gnomAD no frequency). This variant has not been reported in the literature in individuals affected with NF1-related conditions. For these reasons, this variant has been classified as Pathogenic.

Literature cited by the submitters: PubMed 10712197; PubMed 23913538.